The following is an entry in ClinVar:

NM_012387.3(PADI4):c.349T>C (p.Leu117=)

Gene: PADI4 (peptidyl arginine deiminase 4; plus strand). Cytogenetic location: 1p36.13.
Variant type: single nucleotide variant.
Coding change: c.349T>C on transcript NM_012387.3 (MANE Select); coding-DNA position 349, T replaced by C.
Protein change: p.Leu117=; no amino-acid change (leucine 117 retained).
Molecular consequence: synonymous variant.
Genome position (GRCh38, 1-based): chr1:17,336,167, T>C. VCF-style: chr1-17336167-T-C. GRCh37 (hg19) VCF-style: chr1-17662662-T-C.
Other names: c.349T>C (NM_012387.2).
Identifiers: ClinVar variation 972894 (VCV000972894.3), dbSNP rs1748033, ClinGen allele CA640473.

ClinVar aggregate classification (germline): Benign; association. Review status: no assertion criteria provided (0 of 4 stars). 2 submissions from 2 submitters: Benign (1). Last evaluated 2020-02-01.

Conditions:
Rheumatoid arthritis (RA). Also called: RHEUMATOID ARTHRITIS, SUSCEPTIBILITY TO. Identifiers: MedGen C0003873, MONDO:0008383, OMIM 180300, HP:0001370.
Abnormal pulmonary interstitial morphology. Also called: Interstitial lung disease; Interstitial pulmonary abnormality. Identifiers: Orphanet 182095, MedGen C5441745, MeSH D017563, MONDO:0015925, HP:0006530.
PADI4-related disorder. Also called: PADI4-related condition.

Allele frequency attached by ClinVar (database versions not stated): gnomAD 0.63536 and 0.63756; 1000 Genomes Project 0.59185; TOPMed 0.62362; ESP Exome Variant Server 0.63624; 1000 Genomes Project 30x 0.59463; ExAC 0.63733.
gnomAD v4.1: 1,061,313 of 1,607,184 alleles (66%); highest among the groups gnomAD compares: Non-Finnish European, 68%; 353,119 homozygotes.

Submissions (2):

Pneumogenomics Laboratory, Instituto Nacional de Enfermedades Respiratorias Ismael Cosio Villegas
Classification: association for Interstitial Lung Disease; Rheumatoid Arthritis. Last evaluated: 2020-02-01. Review status: no assertion criteria provided. Collection method: case-control. Allele origin: germline. Affected: yes.

PreventionGenetics, part of Exact Sciences
Classification: Benign for PADI4-related condition. Last evaluated: 2019-10-17. Review status: no assertion criteria provided. Collection method: clinical testing. Allele origin: germline.
Comment: This variant is classified as benign based on ACMG/AMP sequence variant interpretation guidelines (Richards et al. 2015 PMID: 25741868, with internal and published modifications).